The following is an entry in ClinVar:

ClinVar aggregate classification (germline): Conflicting classifications of pathogenicity. Review status: criteria provided, conflicting classifications (1 of 4 stars). 9 submissions from 9 submitters: Uncertain significance (2); Benign (1); Likely benign (5). 1 of the submissions does not count toward it. Last evaluated 2026-02-03.

Conditions:
NOTCH1-related disorder. Also called: NOTCH1-related disorders; NOTCH1-related condition.
Adams-Oliver syndrome 5 (AOS5). Identifiers: Orphanet 974, MedGen C4014970, MONDO:0014459, OMIM 616028.
Familial thoracic aortic aneurysm and aortic dissection (TAAD). Also called: Thoracic aortic aneurysms and dissections. Identifiers: Orphanet 91387, MedGen C4707243, MONDO:0019625.

Allele frequency attached by ClinVar (database versions not stated): ExAC 0.00006; gnomAD exomes 0.00010; TOPMed 0.00010; gnomAD 0.00013 and 0.00014; ESP Exome Variant Server 0.00016.
gnomAD v4.1: 443 of 1,609,694 alleles (0.028%); highest among the groups gnomAD compares: Non-Finnish European, 0.037%; 1 homozygote.

Submissions (9):

Labcorp Genetics (formerly Invitae), Labcorp
Classification: Likely benign for Adams-Oliver syndrome 5. Last evaluated: 2026-02-03. Review status: criteria provided, single submitter. Criteria: Invitae Variant Classification Sherloc (09022015). Collection method: clinical testing. Allele origin: germline.

Mayo Clinic Laboratories, Mayo Clinic
Classification: Likely benign. Last evaluated: 2025-08-29. Review status: criteria provided, single submitter. Criteria: ACMG Guidelines, 2015. Collection method: clinical testing. Allele origin: germline. Observed: 1 variant allele.

ARUP Laboratories, Molecular Genetics and Genomics, ARUP Laboratories
Classification: Likely benign. Last evaluated: 2025-05-23. Review status: criteria provided, single submitter. Criteria: ARUP Molecular Germline Variant Investigation Process 2024. Collection method: clinical testing. Allele origin: germline.

Blueprint Genetics
Classification: Likely benign. Last evaluated: 2024-10-17. Review status: criteria provided, single submitter. Criteria: ACMG Guidelines, 2015. Collection method: clinical testing. Allele origin: germline.

Ambry Genetics
Classification: Uncertain significance for Familial thoracic aortic aneurysm and aortic dissection. Last evaluated: 2024-07-24. Review status: criteria provided, single submitter. Criteria: Ambry Variant Classification Scheme 2023. Collection method: clinical testing. Allele origin: germline.
Comment: The c.2354-5T>C intronic variant results from a T to C substitution 5 nucleotides upstream from coding exon 15 in the NOTCH1 gene. This nucleotide position is not well conserved in available vertebrate species. In silico splice site analysis predicts that this alteration will not have any significant effect on splicing. Based on the available evidence, the clinical significance of this variant remains unclear.

Women's Health and Genetics/Laboratory Corporation of America, LabCorp
Classification: Benign. Last evaluated: 2023-07-21. Review status: criteria provided, single submitter. Criteria: LabCorp Variant Classification Summary - May 2015. Collection method: clinical testing. Allele origin: germline.

CHEO Genetics Diagnostic Laboratory, Children's Hospital of Eastern Ontario
Classification: Uncertain significance for Familial thoracic aortic aneurysm and aortic dissection. Last evaluated: 2021-06-01. Review status: criteria provided, single submitter. Criteria: ACMG Guidelines, 2015. Collection method: clinical testing. Allele origin: germline.

GeneDx
Classification: Likely benign. Last evaluated: 2021-05-24. Review status: criteria provided, single submitter. Criteria: GeneDx Variant Classification Process June 2021. Collection method: clinical testing. Allele origin: germline. Affected: yes.

PreventionGenetics, part of Exact Sciences
Classification: Likely benign for NOTCH1-related condition. Last evaluated: 2019-09-11. Review status: no assertion criteria provided. Collection method: clinical testing. Allele origin: germline. Not counted in ClinVar's aggregate classification.
Comment: This variant is classified as likely benign based on ACMG/AMP sequence variant interpretation guidelines (Richards et al. 2015 PMID: 25741868, with internal and published modifications).

NM_017617.5(NOTCH1):c.2354-5T>C

Gene: NOTCH1 (notch receptor 1; minus strand). Cytogenetic location: 9q34.3.
Variant type: single nucleotide variant.
Coding change: c.2354-5T>C on transcript NM_017617.5 (MANE Select); 5 bases into the intron before coding-DNA position 2354, T replaced by C.
Molecular consequence: intron variant.
Genome position (GRCh38, 1-based): chr9:136,513,139, A>G on the plus strand (T>C on the coding strand, the complement: NOTCH1 is on the minus strand). VCF-style: chr9-136513139-A-G. GRCh37 (hg19) VCF-style: chr9-139407591-A-G.
Other names: p.?; c.2354-5T>C (LRG_1122t1, NM_017617.4).
Identifiers: ClinVar variation 390031 (VCV000390031.28), dbSNP rs371944522, ClinGen allele CA5341376.
Genomic context (GRCh38, chr9:136,513,139, plus strand): 5'-CTGGTTCAGACATGGGTTGGACGCACACTCGTTGATGTTGGTCTGGCAGTTGGGACCTGG[A>G]GGGAAGGGGACAGCACTCGGCATGTCCAGCACTCCCAGGCACCTTGGCAGGGCCCCACAA-3'